The following is an entry in ClinVar:

NM_182916.3(TRNT1):c.502G>T (p.Asp168Tyr)

Gene: TRNT1 (tRNA nucleotidyl transferase 1; plus strand). Cytogenetic location: 3p26.2.
Variant type: single nucleotide variant.
Coding change: c.502G>T on transcript NM_182916.3 (MANE Select); coding-DNA position 502, G replaced by T.
Protein change: p.Asp168Tyr; replaces aspartic acid 168 with tyrosine.
Molecular consequence: missense variant. On other transcripts: non-coding transcript variant (8).
Genome position (GRCh38, 1-based): chr3:3,144,604, G>T. VCF-style: chr3-3144604-G-T. GRCh37 (hg19) VCF-style: chr3-3186288-G-T.
Other names: c.502G>T, p.Asp168Tyr (NM_001302946.2, NM_001367321.1, NM_001367322.1 and 1 more transcripts); short protein forms D168Y.
Identifiers: ClinVar variation 957966 (VCV000957966.4), dbSNP rs746543080, ClinGen allele CA2228701.

ClinVar aggregate classification (germline): Uncertain significance (1 of 4 stars; one submission).

Conditions:
Congenital sideroblastic anemia-B-cell immunodeficiency-periodic fever-developmental delay syndrome. Also called: Sideroblastic anemia with B-cell immunodeficiency, periodic fevers, and developmental delay. Identifiers: Orphanet 369861, MedGen C4015172, MONDO:0014487, OMIM 616084.

Allele frequency attached by ClinVar (database versions not stated): TOPMed 0.00001; gnomAD 0.00003 and 0.00004; gnomAD exomes 0.00009 and 0.00012; ExAC 0.00012.

Submission:

Labcorp Genetics (formerly Invitae), Labcorp
Classification: Uncertain significance for Congenital sideroblastic anemia-B-cell immunodeficiency-periodic fever-developmental delay syndrome. Last evaluated: 2021-08-27. Review status: criteria provided, single submitter. Criteria: Invitae Variant Classification Sherloc (09022015). Collection method: clinical testing. Allele origin: germline.
Comment: This sequence change replaces aspartic acid with tyrosine at codon 168 of the TRNT1 protein (p.Asp168Tyr). The aspartic acid residue is highly conserved and there is a large physicochemical difference between aspartic acid and tyrosine. This variant is present in population databases (rs746543080, ExAC 0.03%). This variant has not been reported in the literature in individuals affected with TRNT1-related conditions. Algorithms developed to predict the effect of missense changes on protein structure and function (SIFT, PolyPhen-2, Align-GVGD) all suggest that this variant is likely to be disruptive. In summary, the available evidence is currently insufficient to determine the role of this variant in disease. Therefore, it has been classified as a Variant of Uncertain Significance.